The following is an entry in ClinVar:

ClinVar aggregate classification (germline): Conflicting classifications of pathogenicity. Review status: criteria provided, conflicting classifications (1 of 4 stars). 12 submissions from 12 submitters: Uncertain significance (8); Benign (1); Likely benign (2). 1 of the submissions does not count toward it. Last evaluated 2026-01-11.

Conditions:
STK11-related disorder. Also called: STK11-related condition.
Hereditary cancer-predisposing syndrome. Also called: Neoplastic Syndromes, Hereditary; Tumor predisposition; Hereditary Cancer Syndrome; Hereditary neoplastic syndrome. Identifiers: Orphanet 140162, MedGen C0027672, MeSH D009386, MONDO:0015356.
Peutz-Jeghers syndrome (PJS). Also called: POLYPOSIS, HAMARTOMATOUS INTESTINAL; POLYPS-AND-SPOTS SYNDROME; Peutz-Jeghers polyposis; Periorificial lentiginosis syndrome. Identifiers: Orphanet 2869, MedGen C0031269, MeSH D010580, MONDO:0008280, OMIM 175200.

Allele frequency attached by ClinVar (database versions not stated): gnomAD exomes below 0.00001 and 0.00001; ExAC 0.00004; gnomAD 0.00008 and 0.00011; TOPMed 0.00010.

Submissions (12):

Labcorp Genetics (formerly Invitae), Labcorp
Classification: Likely benign for Peutz-Jeghers syndrome. Last evaluated: 2026-01-11. Review status: criteria provided, single submitter. Criteria: Invitae Variant Classification Sherloc (09022015). Collection method: clinical testing. Allele origin: germline.

Color Diagnostics, LLC DBA Color Health
Classification: Benign for Hereditary cancer-predisposing syndrome. Last evaluated: 2025-11-03. Review status: criteria provided, single submitter. Criteria: ACMG Guidelines, 2015. Collection method: clinical testing. Allele origin: germline.

Quest Diagnostics Nichols Institute San Juan Capistrano
Classification: Uncertain significance. Last evaluated: 2025-07-31. Review status: criteria provided, single submitter. Criteria: Quest Diagnostics criteria. Collection method: clinical testing. Allele origin: unknown.
Comment: The STK11 c.920+5G>A variant has been reported in individuals with breast cancer (PMID: 35264596 (2022)), prostate cancer (PMID: 35467778 (2022)), and unspecified cancer (PMID: 28873162 (2017)). The frequency of this variant in the general population (Genome Aggregation Database) is higher than would generally be expected for pathogenic variants in this gene. Analysis of this variant using software algorithms for the prediction of the effect of nucleotide changes on splicing yielded predictions that this variant may affect proper STK11 mRNA splicing. Based on the available information, we are unable to determine the clinical significance of this variant.

PreventionGenetics, part of Exact Sciences
Classification: Uncertain significance for STK11-related condition. Last evaluated: 2025-06-13. Review status: criteria provided, single submitter. Criteria: ACMG Guidelines, 2015. Collection method: clinical testing. Allele origin: germline.
Comment: The STK11 c.920+5G>A variant is predicted to interfere with splicing. This variant has been reported in individuals with colorectal cancer or colon polyps, low-risk prostate cancer, and breast cancer (Supplement, Gordon et al. 2019. PubMed ID: 31422818; Brady et al. 2022. PubMed ID: 35467778; Guindalini et al. 2022. PubMed ID: 35264596). This variant is reported in 0.022% of alleles in individuals of African descent in gnomAD. It has conflicting interpretations of likely benign and uncertain significance. At this time, the clinical significance of this variant is uncertain due to the absence of conclusive functional and genetic evidence.

Myriad Genetics, Inc.
Classification: Uncertain significance for Peutz-Jeghers syndrome. Last evaluated: 2023-04-14. Review status: criteria provided, single submitter. Criteria: Myriad Autosomal Dominant, Autosomal Recessive and X-Linked Classification Criteria (2023). Collection method: clinical testing. Allele origin: unknown.
Comment: This variant is classified as a variant of uncertain significance as there is insufficient evidence to determine its impact on protein function and/or cancer risk.

Women's Health and Genetics/Laboratory Corporation of America, LabCorp
Classification: Uncertain significance. Last evaluated: 2022-11-03. Review status: criteria provided, single submitter. Criteria: LabCorp Variant Classification Summary - May 2015. Collection method: clinical testing. Allele origin: germline.
Comment: Variant summary: STK11 c.920+5G>A alters a conserved nucleotide located close to a canonical splice site and therefore could affect mRNA splicing, leading to a significantly altered protein sequence. 4/4 computational tools predict no significant impact on normal splicing. However, these predictions have yet to be confirmed by functional studies. The variant allele was found at a frequency of 1.9e-05 in 205340 control chromosomes (gnomAD). The available data on variant occurrences in the general population are insufficient to allow any conclusion about variant significance. 920+5G>A has been reported in the literature in one individual without clinical information (Gordon_2019) and in another individual undergoing surveillance for prostate cancer (Brady_2022). These reports do not provide unequivocal conclusions about association of the variant with Peutz-Jeghers Syndrome. To our knowledge, no experimental evidence demonstrating an impact on protein function has been reported. Nine ClinVar submitters have assessed the variant since 2014: eight classified the variant as uncertain significance and one as likely benign. Based on the evidence outlined above, the variant was classified as uncertain significance.

Genome-Nilou Lab
Classification: Uncertain significance for Peutz-Jeghers syndrome. Last evaluated: 2021-07-15. Review status: criteria provided, single submitter. Criteria: ACMG Guidelines, 2015. Collection method: clinical testing. Allele origin: germline. Affected: no.

GeneDx
Classification: Uncertain significance. Last evaluated: 2021-06-21. Review status: criteria provided, single submitter. Criteria: GeneDx Variant Classification Process June 2021. Collection method: clinical testing. Allele origin: germline. Affected: yes.
Comment: Not observed at significant frequency in large population cohorts (Lek 2016); In-silico analysis, which includes splice predictors and evolutionary conservation, is inconclusive as to whether the variant alters gene splicing. In the absence of RNA/functional studies, the actual effect of this sequence change is unknown.; Observed in at least one individual with an unspecified cancer (Mandelker 2017); This variant is associated with the following publications: (PMID: 31422818, 27535533, 28873162)

Ambry Genetics
Classification: Likely benign for Hereditary cancer-predisposing syndrome. Last evaluated: 2019-10-08. Review status: criteria provided, single submitter. Criteria: Ambry Variant Classification Scheme 2023. Collection method: clinical testing. Allele origin: germline.

Mendelics
Classification: Uncertain significance for Peutz-Jeghers syndrome. Last evaluated: 2018-07-02. Review status: criteria provided, single submitter. Criteria: Mendelics Assertion Criteria 2017. Collection method: clinical testing. Allele origin: unknown.

Laboratory for Molecular Medicine, Mass General Brigham Personalized Medicine
Classification: Uncertain significance. Last evaluated: 2016-11-23. Review status: criteria provided, single submitter. Criteria: LMM Criteria. Collection method: clinical testing. Allele origin: germline. Observed: 1 variant allele.
Comment: The c.920+5G>A variant in STK11 has not been previously reported in individuals with Peutz-Jeghers syndrome, but has been identified in 1/2138 of African chromo somes by the Exome Aggregation Consortium (ExAC; dbSNP rs587780013). This variant is located in the 5' splice region. Although n ucleotide substitutions at +5 position of the intron are relatively common cause s of aberrant splicing, computational tools do not suggest an impact to splicing . However, this information is not predictive enough to rule out pathogenicity. In summary, the clinical significance of the c.920+5G>A variant is uncertain.

Counsyl
Classification: Uncertain significance for Peutz-Jeghers syndrome. Last evaluated: 2017-01-20. Review status: no assertion criteria provided. Collection method: clinical testing. Allele origin: unknown. Not counted in ClinVar's aggregate classification.

Literature cited by the submitters: PubMed 35264596 (cited by Quest Diagnostics Nichols Institute San Juan Capistrano); PubMed 35467778 (cited by Quest Diagnostics Nichols Institute San Juan Capistrano and Women's Health and Genetics/Laboratory Corporation of America, LabCorp); PubMed 28873162 (cited by Quest Diagnostics Nichols Institute San Juan Capistrano); PubMed 31422818 (cited by Women's Health and Genetics/Laboratory Corporation of America, LabCorp).

NM_000455.5(STK11):c.920+5G>A

Gene: STK11 (serine/threonine kinase 11; plus strand). Cytogenetic location: 19p13.3.
Variant type: single nucleotide variant.
Coding change: c.920+5G>A on transcript NM_000455.5 (MANE Select); 5 bases into the intron after coding-DNA position 920, G replaced by A.
Molecular consequence: intron variant.
Genome position (GRCh38, 1-based): chr19:1,222,011, G>A. VCF-style: chr19-1222011-G-A. GRCh37 (hg19) VCF-style: chr19-1222010-G-A.
Other names: IVS7+5G>A.
Identifiers: ClinVar variation 127709 (VCV000127709.36), dbSNP rs587780013, ClinGen allele CA023350.